The following is an entry in ClinVar:

NM_021729.6(VPS11):c.863G>A (p.Arg288His)

Gene: VPS11 (VPS11 core subunit of CORVET and HOPS complexes; plus strand). Cytogenetic location: 11q23.3.
Variant type: single nucleotide variant.
Coding change: c.863G>A on transcript NM_021729.6 (MANE Select); coding-DNA position 863, G replaced by A.
Protein change: p.Arg288His; replaces arginine 288 with histidine.
Molecular consequence: missense variant. On other transcripts: non-coding transcript variant (5).
Genome position (GRCh38, 1-based): chr11:119,071,822, G>A. VCF-style: chr11-119071822-G-A. GRCh37 (hg19) VCF-style: chr11-118942532-G-A.
Other names: c.833G>A, p.Arg278His (NM_001290185.2); c.875G>A, p.Arg292His (NM_001378218.1); c.863G>A, p.Arg288His (NM_001378219.1, NM_001378220.1); c.845G>A, p.Arg282His (NM_001378221.1); short protein forms R282H, R292H, R278H, R288H.
Identifiers: ClinVar variation 1920029 (VCV001920029.2), dbSNP rs782540809, ClinGen allele CA6313279.
Genomic context (GRCh38, chr11:119,071,822, plus strand): 5'-CCTTTGAGGGCCATAAGCTCATTGCCCACTGGTTTAGAGGCTACCTTATCATTGTCTCCC[G>A]TGACCGGAAGGTTTCTCCCAAGTAAGGACTCAGTGAGAAGGGACAGGGAGAGGGCTGGAC-3'
Protein context (NP_068375.3, residues 278-298): WFRGYLIIVS[Arg288His]DRKVSPKSEF

ClinVar aggregate classification (germline): Uncertain significance (1 of 4 stars; one submission).

Allele frequency attached by ClinVar (database versions not stated): ExAC 0.00001; gnomAD 0.00003; gnomAD exomes 0.00003; TOPMed 0.00003.
gnomAD v4.1: 51 of 1,613,154 alleles (0.0032%); highest among the groups gnomAD compares: African/African-American, 0.004%; no homozygotes.

Submission:

Labcorp Genetics (formerly Invitae), Labcorp
Classification: Uncertain significance. Last evaluated: 2022-06-05. Review status: criteria provided, single submitter. Criteria: Invitae Variant Classification Sherloc (09022015). Collection method: clinical testing. Allele origin: germline.
Comment: This sequence change replaces arginine, which is basic and polar, with histidine, which is basic and polar, at codon 288 of the VPS11 protein (p.Arg288His). This variant is present in population databases (rs782540809, gnomAD 0.0009%). This variant has not been reported in the literature in individuals affected with VPS11-related conditions. Experimental studies and prediction algorithms are not available or were not evaluated, and the functional significance of this variant is currently unknown. In summary, the available evidence is currently insufficient to determine the role of this variant in disease. Therefore, it has been classified as a Variant of Uncertain Significance.